The following is an entry in ClinVar:

NM_015001.3(SPEN):c.8073C>T (p.Asn2691=)

Gene: SPEN (spen family transcriptional repressor; plus strand). Cytogenetic location: 1p36.13.
Variant type: single nucleotide variant.
Coding change: c.8073C>T on transcript NM_015001.3 (MANE Select); coding-DNA position 8073, C replaced by T.
Protein change: p.Asn2691=; no amino-acid change (asparagine 2691 retained).
Molecular consequence: synonymous variant.
Genome position (GRCh38, 1-based): chr1:15,934,313, C>T. VCF-style: chr1-15934313-C-T. GRCh37 (hg19) VCF-style: chr1-16260808-C-T.
Identifiers: ClinVar variation 2638336 (VCV002638336.24), dbSNP rs759970944, ClinGen allele CA620202.
Genomic context (GRCh38, chr1:15,934,313, plus strand): 5'-CGTGAAGGGCTCAGTGACCACACTGAAAAGTTTGGTGAGCACCCCTGCTGGGCCCGTGAA[C>T]GTCCTGAAAGGGCCTGTGAATGTTCTTACGGGGCCAGTGAATGTTCTCACCACTCCAGTG-3'
Protein context (NP_055816.2, residues 2681-2701): SLVSTPAGPV[Asn2691=]VLKGPVNVLT

ClinVar aggregate classification (germline): Likely benign (1 of 4 stars; one submission).

Allele frequency attached by ClinVar (database versions not stated): TOPMed below 0.00001; ExAC 0.00001; gnomAD 0.00001.
gnomAD v4.1: 34 of 1,613,940 alleles (0.0021%); highest among the groups gnomAD compares: Admixed American, 0.0033%; no homozygotes.

Submission:

CeGaT Center for Human Genetics Tuebingen
Classification: Likely benign. Last evaluated: 2023-04-01. Review status: criteria provided, single submitter. Criteria: CeGaT Center For Human Genetics Tuebingen Variant Classification Criteria Version 2. Collection method: clinical testing. Allele origin: germline. Affected: yes. Observed: 1 variant allele.
Comment: SPEN: BP4, BP7